The following is an entry in ClinVar:

NM_000238.4(KCNH2):c.148G>C (p.Glu50Gln)

Gene: KCNH2 (potassium voltage-gated channel subfamily H member 2; minus strand). Cytogenetic location: 7q36.1.
Variant type: single nucleotide variant.
Coding change: c.148G>C on transcript NM_000238.4 (MANE Select); coding-DNA position 148, G replaced by C.
Protein change: p.Glu50Gln; replaces glutamic acid 50 with glutamine.
Molecular consequence: missense variant.
Genome position (GRCh38, 1-based): chr7:150,974,870, C>G on the plus strand (G>C on the coding strand, the complement: KCNH2 is on the minus strand). VCF-style: chr7-150974870-C-G. GRCh37 (hg19) VCF-style: chr7-150671958-C-G.
Other names: c.-30G>C (NM_001406755.1); c.148G>C, p.Glu50Gln (NM_172056.3); short protein forms E50Q.
Identifiers: ClinVar variation 935728 (VCV000935728.10), dbSNP rs1801938958, ClinGen allele CA369865802.

ClinVar aggregate classification (germline): Uncertain significance (1 of 4 stars; one submission).

Conditions:
Long QT syndrome (LQTS). Identifiers: MedGen C0023976, MeSH D008133, MONDO:0002442. Disease mechanism: loss of function. Inheritance: Various modes of inheritance.

Allele frequency attached by ClinVar (database versions not stated): TOPMed below 0.00001.

Submission:

Labcorp Genetics (formerly Invitae), Labcorp
Classification: Uncertain significance for Long QT syndrome. Last evaluated: 2019-07-09. Review status: criteria provided, single submitter. Criteria: Invitae Variant Classification Sherloc (09022015). Collection method: clinical testing. Allele origin: germline.
Comment: In summary, the available evidence is currently insufficient to determine the role of this variant in disease. Therefore, it has been classified as a Variant of Uncertain Significance. Algorithms developed to predict the effect of missense changes on protein structure and function (SIFT, PolyPhen-2, Align-GVGD) all suggest that this variant is likely to be tolerated, but these predictions have not been confirmed by published functional studies and their clinical significance is uncertain. This variant has not been reported in the literature in individuals with KCNH2-related conditions. This variant is not present in population databases (ExAC no frequency). This sequence change replaces glutamic acid with glutamine at codon 50 of the KCNH2 protein (p.Glu50Gln). The glutamic acid residue is weakly conserved and there is a small physicochemical difference between glutamic acid and glutamine.